The following is an entry in ClinVar:

NM_000095.3(COMP):c.592A>T (p.Ile198Phe)

Gene: COMP (cartilage oligomeric matrix protein; minus strand). Cytogenetic location: 19p13.11.
Variant type: single nucleotide variant.
Coding change: c.592A>T on transcript NM_000095.3 (MANE Select); coding-DNA position 592, A replaced by T.
Protein change: p.Ile198Phe; replaces isoleucine 198 with phenylalanine.
Molecular consequence: missense variant.
Genome position (GRCh38, 1-based): chr19:18,788,850, T>A on the plus strand (A>T on the coding strand, the complement: COMP is on the minus strand). VCF-style: chr19-18788850-T-A. GRCh37 (hg19) VCF-style: chr19-18899659-T-A.
Other names: short protein forms I198F.
Identifiers: ClinVar variation 1348472 (VCV001348472.8), dbSNP rs1424892887, ClinGen allele CA404894876.

ClinVar aggregate classification (germline): Uncertain significance (1 of 4 stars; one submission).

gnomAD v4.1: 2 of 1,613,948 alleles (0.00012%); highest among the groups gnomAD compares: Admixed American, 0.0017%; no homozygotes.

Submission:

Labcorp Genetics (formerly Invitae), Labcorp
Classification: Uncertain significance. Last evaluated: 2022-09-27. Review status: criteria provided, single submitter. Criteria: Invitae Variant Classification Sherloc (09022015). Collection method: clinical testing. Allele origin: germline.
Comment: This variant has not been reported in the literature in individuals affected with COMP-related conditions. This variant is present in population databases (no rsID available, gnomAD 0.003%). This sequence change replaces isoleucine, which is neutral and non-polar, with phenylalanine, which is neutral and non-polar, at codon 198 of the COMP protein (p.Ile198Phe). ClinVar contains an entry for this variant (Variation ID: 1348472). In summary, the available evidence is currently insufficient to determine the role of this variant in disease. Therefore, it has been classified as a Variant of Uncertain Significance. Advanced modeling of protein sequence and biophysical properties (such as structural, functional, and spatial information, amino acid conservation, physicochemical variation, residue mobility, and thermodynamic stability) has been performed at Invitae for this missense variant, however the output from this modeling did not meet the statistical confidence thresholds required to predict the impact of this variant on COMP protein function.